The following is an entry in ClinVar:

ClinVar aggregate classification (germline): Likely benign. Review status: criteria provided, multiple submitters, no conflicts (2 of 4 stars). 2 submissions from 2 submitters: Likely benign (2). Last evaluated 2023-03-01.

Allele frequency attached by ClinVar (database versions not stated): gnomAD 0.00001; gnomAD exomes 0.00003 and 0.00010; TOPMed 0.00003; ExAC 0.00006; ESP Exome Variant Server 0.00008.
gnomAD v4.1: 38 of 1,613,684 alleles (0.0024%); highest among the groups gnomAD compares: Admixed American, 0.043%; no homozygotes.

Submissions (2):

CeGaT Center for Human Genetics Tuebingen
Classification: Likely benign. Last evaluated: 2023-03-01. Review status: criteria provided, single submitter. Criteria: CeGaT Center For Human Genetics Tuebingen Variant Classification Criteria Version 2. Collection method: clinical testing. Allele origin: germline. Affected: yes. Observed: 1 variant allele.
Comment: CEL: BP4, BP7

Labcorp Genetics (formerly Invitae), Labcorp
Classification: Likely benign. Last evaluated: 2017-12-26. Review status: criteria provided, single submitter. Criteria: Invitae Variant Classification Sherloc (09022015). Collection method: clinical testing. Allele origin: germline.

NM_001807.6(CEL):c.495C>T (p.Val165=)

Gene: CEL (carboxyl ester lipase; plus strand). Cytogenetic location: 9q34.13.
Variant type: single nucleotide variant.
Coding change: c.495C>T on transcript NM_001807.6 (MANE Select); coding-DNA position 495, C replaced by T.
Protein change: p.Val165=; no amino-acid change (valine 165 retained).
Molecular consequence: synonymous variant.
Genome position (GRCh38, 1-based): chr9:133,065,194, C>T. VCF-style: chr9-133065194-C-T. GRCh37 (hg19) VCF-style: chr9-135940581-C-T.
Identifiers: ClinVar variation 731698 (VCV000731698.27), dbSNP rs371979820, ClinGen allele CA5303022.